The following is an entry in ClinVar:

ClinVar aggregate classification (germline): Uncertain significance (1 of 4 stars; one submission).

Conditions:
Renal cell carcinoma. Identifiers: Orphanet 217071, MedGen C0007134, MeSH D002292, MONDO:0005086, HP:0005584.

gnomAD v4.1: 1 of 1,613,846 alleles (0.000062%); highest among the groups gnomAD compares: Non-Finnish European, 0.000085%; no homozygotes.

Submission:

Labcorp Genetics (formerly Invitae), Labcorp
Classification: Uncertain significance for Renal cell carcinoma. Last evaluated: 2024-05-09. Review status: criteria provided, single submitter. Criteria: Invitae Variant Classification Sherloc (09022015). Collection method: clinical testing. Allele origin: germline.
Comment: This sequence change replaces asparagine, which is neutral and polar, with isoleucine, which is neutral and non-polar, at codon 635 of the MET protein (p.Asn635Ile). This variant is not present in population databases (gnomAD no frequency). This variant has not been reported in the literature in individuals affected with MET-related conditions. Advanced modeling of protein sequence and biophysical properties (such as structural, functional, and spatial information, amino acid conservation, physicochemical variation, residue mobility, and thermodynamic stability) performed at Invitae indicates that this missense variant is not expected to disrupt MET protein function with a negative predictive value of 80%. In summary, the available evidence is currently insufficient to determine the role of this variant in disease. Therefore, it has been classified as a Variant of Uncertain Significance.

NM_000245.4(MET):c.1904A>T (p.Asn635Ile)

Gene: MET (MET proto-oncogene, receptor tyrosine kinase; plus strand). Cytogenetic location: 7q31.2.
Variant type: single nucleotide variant.
Coding change: c.1904A>T on transcript NM_000245.4 (MANE Select); coding-DNA position 1904, A replaced by T.
Protein change: p.Asn635Ile; replaces asparagine 635 with isoleucine.
Molecular consequence: missense variant.
Genome position (GRCh38, 1-based): chr7:116,757,478, A>T. VCF-style: chr7-116757478-A-T. GRCh37 (hg19) VCF-style: chr7-116397532-A-T.
Other names: c.1904A>T, p.Asn635Ile (NM_001127500.3, NM_001324401.3); c.614A>T, p.Asn205Ile (NM_001324402.2); short protein forms N635I, N205I.
Identifiers: ClinVar variation 3652820 (VCV003652820.2).
Genomic context (GRCh38, chr7:116,757,478, plus strand): 5'-CTTTGGGTTTTTTTTCCAGATTGAAATGCACAGTTGGTCCTGCCATGAATAAGCATTTCA[A>T]TATGTCCATAATTATTTCAAATGGCCACGGGACAACACAATACAGTACATTCTCCTATGT-3'
Protein context (NP_000236.2, residues 625-645): TVGPAMNKHF[Asn635Ile]MSIIISNGHG